The following is an entry in ClinVar:

NM_001375808.2(LPIN2):c.572A>G (p.Lys191Arg)

Gene: LPIN2 (lipin 2; minus strand). Cytogenetic location: 18p11.31.
Variant type: single nucleotide variant.
Coding change: c.572A>G on transcript NM_001375808.2 (MANE Select); coding-DNA position 572, A replaced by G.
Protein change: p.Lys191Arg; replaces lysine 191 with arginine.
Molecular consequence: missense variant.
Genome position (GRCh38, 1-based): chr18:2,951,073, T>C on the plus strand (A>G on the coding strand, the complement: LPIN2 is on the minus strand). VCF-style: chr18-2951073-T-C. GRCh37 (hg19) VCF-style: chr18-2951071-T-C.
Other names: c.572A>G, p.Lys191Arg (NM_001375809.1, NM_014646.2); short protein forms K191R.
Identifiers: ClinVar variation 1694314 (VCV001694314.4), dbSNP rs778040063, ClinGen allele CA8873526.

ClinVar aggregate classification (germline): Uncertain significance. Review status: criteria provided, multiple submitters, no conflicts (2 of 4 stars). 2 submissions from 2 submitters: Uncertain significance (2). Last evaluated 2026-02-05.

Conditions:
Autoinflammatory syndrome. Identifiers: Orphanet 93665, MedGen C3890737, MONDO:0019751.

Allele frequency attached by ClinVar (database versions not stated): gnomAD exomes below 0.00001; ExAC 0.00001.
gnomAD v4.1: 8 of 1,614,146 alleles (0.0005%); highest among the groups gnomAD compares: South Asian, 0.0011%; no homozygotes.

Submissions (2):

GeneDx
Classification: Uncertain significance. Last evaluated: 2026-02-05. Review status: criteria provided, single submitter. Criteria: GeneDx Variant Classification Process June 2021. Collection method: clinical testing. Allele origin: germline.
Comment: Not observed at significant frequency in large population cohorts (gnomAD); In silico analysis suggests that this missense variant does not alter protein structure/function; Has not been previously published as pathogenic or benign to our knowledge

Genome Diagnostics Laboratory, The Hospital for Sick Children
Classification: Uncertain significance for Autoinflammatory syndrome. Last evaluated: 2016-12-12. Review status: criteria provided, single submitter. Criteria: ACMG Guidelines, 2015. Collection method: clinical testing. Allele origin: germline. Affected: yes.